The following is an entry in ClinVar:

ClinVar aggregate classification (germline): Pathogenic (1 of 4 stars; one submission).

Conditions:
Glutaric aciduria, type 1. Also called: Glutaryl-CoA dehydrogenase deficiency; Glutaricaciduria, type I; Glutaric acidemia type I; Glutaric Acidemia Type 1; Glutaricacidemia Type 1; GA I. Identifiers: Orphanet 25, MedGen C0268595, MONDO:0009281, OMIM 231670.

Submission:

Labcorp Genetics (formerly Invitae), Labcorp
Classification: Pathogenic for Glutaric aciduria, type 1. Last evaluated: 2022-05-13. Review status: criteria provided, single submitter. Criteria: Invitae Variant Classification Sherloc (09022015). Collection method: clinical testing. Allele origin: germline.
Comment: This variant is not present in population databases (gnomAD no frequency). This sequence change replaces leucine, which is neutral and non-polar, with proline, which is neutral and non-polar, at codon 302 of the GCDH protein (p.Leu302Pro). This missense change has been observed in individual(s) with glutaric acidemia type I (PMID: 22728054). In at least one individual the data is consistent with being in trans (on the opposite chromosome) from a pathogenic variant. For these reasons, this variant has been classified as Pathogenic. Advanced modeling of protein sequence and biophysical properties (such as structural, functional, and spatial information, amino acid conservation, physicochemical variation, residue mobility, and thermodynamic stability) performed at Invitae indicates that this missense variant is expected to disrupt GCDH protein function. ClinVar contains an entry for this variant (Variation ID: 1072735).

Literature cited by the submitters: PubMed 22728054.

NM_000159.4(GCDH):c.905T>C (p.Leu302Pro)

Gene: GCDH (glutaryl-CoA dehydrogenase; plus strand). Cytogenetic location: 19p13.13.
Variant type: single nucleotide variant.
Coding change: c.905T>C on transcript NM_000159.4 (MANE Select); coding-DNA position 905, T replaced by C.
Protein change: p.Leu302Pro; replaces leucine 302 with proline.
Molecular consequence: missense variant. On other transcripts: non-coding transcript variant (2).
Genome position (GRCh38, 1-based): chr19:12,896,962, T>C. VCF-style: chr19-12896962-T-C. GRCh37 (hg19) VCF-style: chr19-13007776-T-C.
Other names: c.905T>C, p.Leu302Pro (NM_013976.5); short protein forms L302P.
Identifiers: ClinVar variation 1072735 (VCV001072735.9), dbSNP rs2145952877, ClinGen allele CA404319441.